The following is an entry in ClinVar:

ClinVar aggregate classification (germline): Likely benign (1 of 4 stars; one submission).

Conditions:
PSKH1-related condition.

gnomAD v4.1: 93 of 1,614,154 alleles (0.0058%); highest among the groups gnomAD compares: East Asian, 0.16%; 1 homozygote.

Submission:

PreventionGenetics, part of Exact Sciences
Classification: Likely benign for PSKH1-related condition. Last evaluated: 2026-04-15. Review status: criteria provided, single submitter. Criteria: ACMG Guidelines, 2015. Collection method: clinical testing. Allele origin: germline.
Comment: This variant is classified as likely benign based on ACMG/AMP sequence variant interpretation guidelines (Richards et al. 2015 PMID: 25741868, with internal and published modifications).

NM_006742.3(PSKH1):c.151G>A (p.Gly51Arg)

Gene: PSKH1 (protein serine kinase H1; plus strand). Cytogenetic location: 16q22.1.
Variant type: single nucleotide variant.
Coding change: c.151G>A on transcript NM_006742.3 (MANE Select); coding-DNA position 151, G replaced by A.
Protein change: p.Gly51Arg; replaces glycine 51 with arginine.
Molecular consequence: missense variant.
Genome position (GRCh38, 1-based): chr16:67,908,900, G>A. VCF-style: chr16-67908900-G-A. GRCh37 (hg19) VCF-style: chr16-67942803-G-A.
Other names: short protein forms G51R.
Identifiers: ClinVar variation 4981177 (VCV004981177.1).
Genomic context (GRCh38, chr16:67,908,900, plus strand): 5'-AAGAGTGACGTGTACAAGCACTTCATCACAGAGGTGGACAGTGTTGGCCCTGTCAAAGCC[G>A]GGTTCCCAGCAGCAAGTCAGTATGCACACCCCTGCCCCGGTCCCCCGACTGCTGGCCACA-3'
Protein context (NP_006733.1, residues 41-61): EVDSVGPVKA[Gly51Arg]FPAASQYAHP